The following is an entry in ClinVar:

NM_001134363.3(RBM20):c.2060A>G (p.Glu687Gly)

Gene: RBM20 (RNA binding motif protein 20; plus strand). Cytogenetic location: 10q25.2.
Variant type: single nucleotide variant.
Coding change: c.2060A>G on transcript NM_001134363.3 (MANE Select); coding-DNA position 2060, A replaced by G.
Protein change: p.Glu687Gly; replaces glutamic acid 687 with glycine.
Molecular consequence: missense variant.
Genome position (GRCh38, 1-based): chr10:110,812,457, A>G. VCF-style: chr10-110812457-A-G. GRCh37 (hg19) VCF-style: chr10-112572215-A-G.
Other names: short protein forms E687G.
Identifiers: ClinVar variation 470594 (VCV000470594.15), dbSNP rs1051836531, ClinGen allele CA213223742.
Genomic context (GRCh38, chr10:110,812,457, plus strand): 5'-CTGACTGGGGCAATGGCCGGGACTCCTGGGAGCACTCTCCCTATGCCAGGAGGGAGGAAG[A>G]GCGAGACCCGGCTCCCTGGAGGGACAACGGAGATGACAAGAGGGACAGGATGGACCCCTG-3'
Protein context (NP_001127835.2, residues 677-697): EHSPYARREE[Glu687Gly]RDPAPWRDNG

ClinVar aggregate classification (germline): Conflicting classifications of pathogenicity. Review status: criteria provided, conflicting classifications (1 of 4 stars). 4 submissions from 4 submitters: Uncertain significance (3); Likely benign (1). Last evaluated 2025-10-27.

Conditions:
Dilated cardiomyopathy 1DD (CMD1DD). Identifiers: Orphanet 154, MedGen C2750995, MONDO:0013168, OMIM 613172.
Cardiovascular phenotype. Identifiers: MedGen CN230736.

Allele frequency attached by ClinVar (database versions not stated): TOPMed below 0.00001; gnomAD exomes 0.00001.
gnomAD v4.1: 17 of 1,551,644 alleles (0.0011%); highest among the groups gnomAD compares: Non-Finnish European, 0.0014%; no homozygotes.

Submissions (4):

Labcorp Genetics (formerly Invitae), Labcorp
Classification: Likely benign for Dilated cardiomyopathy 1DD. Last evaluated: 2025-10-27. Review status: criteria provided, single submitter. Criteria: Invitae Variant Classification Sherloc (09022015). Collection method: clinical testing. Allele origin: germline.

Ambry Genetics
Classification: Uncertain significance for Cardiovascular phenotype. Last evaluated: 2021-10-29. Review status: criteria provided, single submitter. Criteria: Ambry Variant Classification Scheme 2023. Collection method: clinical testing. Allele origin: germline.
Comment: The p.E687G variant (also known as c.2060A>G), located in coding exon 9 of the RBM20 gene, results from an A to G substitution at nucleotide position 2060. The glutamic acid at codon 687 is replaced by glycine, an amino acid with similar properties. This amino acid position is conserved. In addition, this alteration is predicted to be tolerated by in silico analysis. Since supporting evidence is limited at this time, the clinical significance of this alteration remains unclear.

Fulgent Genetics
Classification: Uncertain significance for Dilated cardiomyopathy 1DD. Last evaluated: 2021-09-10. Review status: criteria provided, single submitter. Criteria: ACMG Guidelines, 2015. Collection method: clinical testing. Allele origin: unknown.

GeneDx
Classification: Uncertain significance. Last evaluated: 2020-06-17. Review status: criteria provided, single submitter. Criteria: GeneDx Variant Classification Process June 2021. Collection method: clinical testing. Allele origin: germline. Affected: yes.
Comment: Not observed at a significant frequency in large population cohorts (Lek et al., 2016); In silico analysis supports that this missense variant has a deleterious effect on protein structure/function; Has not been previously published as pathogenic or benign to our knowledge